The following is an entry in ClinVar:

GRCh37/hg19 15q13.3(chr15:32077393-32513233)

Gene: CHRNA7 (cholinergic receptor nicotinic alpha 7 subunit). Cytogenetic location: 15q13.3.
Variant type: copy number loss.
Identifiers: ClinVar variation 625722 (VCV000625722.1).

ClinVar aggregate classification (germline): Pathogenic (1 of 4 stars; one submission).

Submission:

Baylor Genetics
Classification: Pathogenic. Last evaluated: 2018-11-01. Review status: criteria provided, single submitter. Criteria: ACMG CNV Guidelines, 2011. Collection method: clinical testing. Allele origin: paternal. Observed: 1 variant allele.
Comment: Deletions involving this region have been previously reported in patients with intellectual disability and seizures (PMID: 18278044, 20236110)